The following is an entry in ClinVar:

ClinVar aggregate classification (germline): Uncertain significance (1 of 4 stars; one submission).

Conditions:
Neuropathy, hereditary sensory, type 1F. Also called: Hereditary sensory neuropathy type IF; HSN IF. Identifiers: Orphanet 36386, MedGen C3810194, MONDO:0014286, OMIM 615632.

Allele frequency attached by ClinVar (database versions not stated): TOPMed below 0.00001; gnomAD 0.00001; ExAC 0.00002.
gnomAD v4.1: 31 of 1,552,526 alleles (0.002%); highest among the groups gnomAD compares: Non-Finnish European, 0.0027%; no homozygotes.

Submission:

Labcorp Genetics (formerly Invitae), Labcorp
Classification: Uncertain significance for Neuropathy, hereditary sensory, type 1F. Last evaluated: 2024-03-02. Review status: criteria provided, single submitter. Criteria: Invitae Variant Classification Sherloc (09022015). Collection method: clinical testing. Allele origin: germline.
Comment: This sequence change falls in intron 6 of the ATL3 gene. It does not directly change the encoded amino acid sequence of the ATL3 protein. It affects a nucleotide within the consensus splice site. This variant is present in population databases (rs200298194, gnomAD 0.002%). This variant has not been reported in the literature in individuals affected with ATL3-related conditions. Variants that disrupt the consensus splice site are a relatively common cause of aberrant splicing (PMID: 17576681, 9536098). Algorithms developed to predict the effect of sequence changes on RNA splicing suggest that this variant may disrupt the consensus splice site. In summary, the available evidence is currently insufficient to determine the role of this variant in disease. Therefore, it has been classified as a Variant of Uncertain Significance.

Literature cited by the submitters: PubMed 17576681; PubMed 9536098.

NM_015459.5(ATL3):c.618+5G>A

Genes: ATL3 (atlastin GTPase 3; minus strand), LNCROPM (lncRNA regulator of PLAAT3 mediated phospholipid metabolism; plus strand). Cytogenetic location: 11q13.1.
Variant type: single nucleotide variant.
Coding change: c.618+5G>A on transcript NM_015459.5 (MANE Select); 5 bases into the intron after coding-DNA position 618, G replaced by A.
Molecular consequence: intron variant.
Genome position (GRCh38, 1-based): chr11:63,646,502, C>T on the plus strand (G>A on the coding strand, the complement: ATL3 is on the minus strand). VCF-style: chr11-63646502-C-T. GRCh37 (hg19) VCF-style: chr11-63413974-C-T.
Other names: c.564+5G>A (NM_001290048.2).
Identifiers: ClinVar variation 2982320 (VCV002982320.3), dbSNP rs200298194, ClinGen allele CA6063738.